The following is an entry in ClinVar:

NM_001854.4(COL11A1):c.2809-3C>G

Gene: COL11A1 (collagen type XI alpha 1 chain; minus strand). Cytogenetic location: 1p21.1.
Variant type: single nucleotide variant.
Coding change: c.2809-3C>G on transcript NM_001854.4 (MANE Select); 3 bases into the intron before coding-DNA position 2809, C replaced by G.
Molecular consequence: intron variant.
Genome position (GRCh38, 1-based): chr1:102,970,275, G>C on the plus strand (C>G on the coding strand, the complement: COL11A1 is on the minus strand). VCF-style: chr1-102970275-G-C. GRCh37 (hg19) VCF-style: chr1-103435831-G-C.
Other names: c.2692-3C>G (NM_001190709.2); c.2845-3C>G (NM_080629.3); c.2461-3C>G (NM_080630.4).
Identifiers: ClinVar variation 2025916 (VCV002025916.4), dbSNP rs2525016047, ClinGen allele CA2580060724.

ClinVar aggregate classification (germline): Pathogenic (1 of 4 stars; one submission).

Submission:

Labcorp Genetics (formerly Invitae), Labcorp
Classification: Pathogenic. Last evaluated: 2022-09-16. Review status: criteria provided, single submitter. Criteria: Invitae Variant Classification Sherloc (09022015). Collection method: clinical testing. Allele origin: germline.
Comment: Variants that disrupt the consensus splice site are a relatively common cause of aberrant splicing (PMID: 17576681, 9536098). Algorithms developed to predict the effect of sequence changes on RNA splicing suggest that this variant may disrupt the consensus splice site. This variant has been observed in individual(s) with clinical features of autosomal dominant Stickler syndrome (Invitae). In at least one individual the variant was observed to be de novo. This variant is not present in population databases (gnomAD no frequency). This sequence change falls in intron 36 of the COL11A1 gene. It does not directly change the encoded amino acid sequence of the COL11A1 protein. It affects a nucleotide within the consensus splice site. For these reasons, this variant has been classified as Pathogenic.

Literature cited by the submitters: PubMed 17576681; PubMed 9536098.